The following is an entry in ClinVar:

ClinVar aggregate classification (germline): Uncertain significance (1 of 4 stars; one submission).

Conditions:
Familial thoracic aortic aneurysm and aortic dissection (TAAD). Also called: Thoracic aortic aneurysms and dissections. Identifiers: Orphanet 91387, MedGen C4707243, MONDO:0019625.

gnomAD v4.1: 6 of 1,613,884 alleles (0.00037%); highest among the groups gnomAD compares: African/African-American, 0.008%; no homozygotes.

Submission:

Ambry Genetics
Classification: Uncertain significance for Familial thoracic aortic aneurysm and aortic dissection. Last evaluated: 2024-05-08. Review status: criteria provided, single submitter. Criteria: Ambry Variant Classification Scheme 2023. Collection method: clinical testing. Allele origin: germline.
Comment: The p.P619H variant (also known as c.1856C>A), located in coding exon 27 of the COL5A2 gene, results from a C to A substitution at nucleotide position 1856. The proline at codon 619 is replaced by histidine, an amino acid with similar properties. This amino acid position is highly conserved in available vertebrate species. In addition, this alteration is predicted to be deleterious by in silico analysis. Based on the available evidence, the clinical significance of this variant remains unclear.

NM_000393.5(COL5A2):c.1856C>A (p.Pro619His)

Gene: COL5A2 (collagen type V alpha 2 chain; minus strand). Cytogenetic location: 2q32.2.
Variant type: single nucleotide variant.
Coding change: c.1856C>A on transcript NM_000393.5 (MANE Select); coding-DNA position 1856, C replaced by A.
Protein change: p.Pro619His; replaces proline 619 with histidine.
Molecular consequence: missense variant.
Genome position (GRCh38, 1-based): chr2:189,063,185, G>T on the plus strand (C>A on the coding strand, the complement: COL5A2 is on the minus strand). VCF-style: chr2-189063185-G-T. GRCh37 (hg19) VCF-style: chr2-189927911-G-T.
Other names: short protein forms P619H.
Identifiers: ClinVar variation 3268761 (VCV003268761.1), dbSNP rs201649860.